The following is an entry in ClinVar:

NM_000540.3(RYR1):c.8168C>G (p.Ala2723Gly)

Gene: RYR1 (ryanodine receptor 1; plus strand). Cytogenetic location: 19q13.2.
Variant type: single nucleotide variant.
Coding change: c.8168C>G on transcript NM_000540.3 (MANE Select); coding-DNA position 8168, C replaced by G.
Protein change: p.Ala2723Gly; replaces alanine 2723 with glycine.
Molecular consequence: missense variant.
Genome position (GRCh38, 1-based): chr19:38,504,848, C>G. VCF-style: chr19-38504848-C-G. GRCh37 (hg19) VCF-style: chr19-38995488-C-G.
Other names: c.8168C>G, p.Ala2723Gly (NM_001042723.2); short protein forms A2723G.
Identifiers: ClinVar variation 1505832 (VCV001505832.3), dbSNP rs1185074728, ClinGen allele CA405676829.

ClinVar aggregate classification (germline): Uncertain significance (1 of 4 stars; one submission).

Conditions:
RYR1-related disorder. Also called: RYR1-related condition; RYR1-related disorders. Identifiers: MedGen CN239331.

Submission:

Labcorp Genetics (formerly Invitae), Labcorp
Classification: Uncertain significance for RYR1-related disorder. Last evaluated: 2021-11-09. Review status: criteria provided, single submitter. Criteria: Invitae Variant Classification Sherloc (09022015). Collection method: clinical testing. Allele origin: germline.
Comment: This sequence change replaces alanine, which is neutral and non-polar, with glycine, which is neutral and non-polar, at codon 2723 of the RYR1 protein (p.Ala2723Gly). This variant is not present in population databases (gnomAD no frequency). This variant has not been reported in the literature in individuals affected with RYR1-related conditions. Advanced modeling of protein sequence and biophysical properties (such as structural, functional, and spatial information, amino acid conservation, physicochemical variation, residue mobility, and thermodynamic stability) performed at Invitae indicates that this missense variant is not expected to disrupt RYR1 protein function. In summary, the available evidence is currently insufficient to determine the role of this variant in disease. Therefore, it has been classified as a Variant of Uncertain Significance.